The following is an entry in ClinVar:

NM_182920.2(ADAMTS9):c.3082C>T (p.Arg1028Ter)

Gene: ADAMTS9 (ADAM metallopeptidase with thrombospondin type 1 motif 9; minus strand). Cytogenetic location: 3p14.1.
Variant type: single nucleotide variant.
Coding change: c.3082C>T on transcript NM_182920.2 (MANE Select); coding-DNA position 3082, C replaced by T.
Protein change: p.Arg1028Ter; replaces arginine 1028 with a stop codon.
Molecular consequence: nonsense.
Genome position (GRCh38, 1-based): chr3:64,615,428, G>A on the plus strand (C>T on the coding strand, the complement: ADAMTS9 is on the minus strand). VCF-style: chr3-64615428-G-A. GRCh37 (hg19) VCF-style: chr3-64601104-G-A.
Other names: c.2998C>T, p.Arg1000Ter (NM_001318781.2); short protein forms R1028*, R1000*.
Identifiers: ClinVar variation 1967647 (VCV001967647.5), dbSNP rs2084743429, ClinGen allele CA353448233.

ClinVar aggregate classification (germline): Uncertain significance (1 of 4 stars; one submission).

Submission:

Labcorp Genetics (formerly Invitae), Labcorp
Classification: Uncertain significance. Last evaluated: 2022-02-10. Review status: criteria provided, single submitter. Criteria: Invitae Variant Classification Sherloc (09022015). Collection method: clinical testing. Allele origin: germline.
Comment: This sequence change creates a premature translational stop signal (p.Arg1028*) in the ADAMTS9 gene. It is expected to result in an absent or disrupted protein product. However, the current clinical and genetic evidence is not sufficient to establish whether loss-of-function variants in ADAMTS9 cause disease. In summary, the available evidence is currently insufficient to determine the role of this variant in disease. Therefore, it has been classified as a Variant of Uncertain Significance. This variant has not been reported in the literature in individuals affected with ADAMTS9-related conditions. This variant is not present in population databases (gnomAD no frequency).